The following is an entry in ClinVar:

NM_020919.4(ALS2):c.20G>C (p.Ser7Thr)

Gene: ALS2 (alsin Rho guanine nucleotide exchange factor ALS2; minus strand). Cytogenetic location: 2q33.1.
Variant type: single nucleotide variant.
Coding change: c.20G>C on transcript NM_020919.4 (MANE Select); coding-DNA position 20, G replaced by C.
Protein change: p.Ser7Thr; replaces serine 7 with threonine.
Molecular consequence: missense variant.
Genome position (GRCh38, 1-based): chr2:201,768,866, C>G on the plus strand (G>C on the coding strand, the complement: ALS2 is on the minus strand). VCF-style: chr2-201768866-C-G. GRCh37 (hg19) VCF-style: chr2-202633589-C-G.
Other names: c.20G>C, p.Ser7Thr (NM_001135745.2, NM_001410975.1); short protein forms S7T.
Identifiers: ClinVar variation 3257349 (VCV003257349.17).

ClinVar aggregate classification (germline): Uncertain significance (1 of 4 stars; one submission).

gnomAD v4.1: 1 of 1,613,314 alleles (0.000062%); highest among the groups gnomAD compares: African/African-American, 0.0013%; no homozygotes.

Submission:

CeGaT Center for Human Genetics Tuebingen
Classification: Uncertain significance. Last evaluated: 2024-07-01. Review status: criteria provided, single submitter. Criteria: CeGaT Center For Human Genetics Tuebingen Variant Classification Criteria Version 2. Collection method: clinical testing. Allele origin: germline. Affected: yes. Observed: 1 variant allele.
Comment: ALS2: PM2, BP4